The following is an entry in ClinVar:

NM_004260.4(RECQL4):c.2297G>A (p.Arg766Gln)

Gene: RECQL4 (RecQ like helicase 4; minus strand). Cytogenetic location: 8q24.3.
Variant type: single nucleotide variant.
Coding change: c.2297G>A on transcript NM_004260.4 (MANE Select); coding-DNA position 2297, G replaced by A.
Protein change: p.Arg766Gln; replaces arginine 766 with glutamine.
Molecular consequence: missense variant.
Genome position (GRCh38, 1-based): chr8:144,513,384, C>T on the plus strand (G>A on the coding strand, the complement: RECQL4 is on the minus strand). VCF-style: chr8-144513384-C-T. GRCh37 (hg19) VCF-style: chr8-145738767-C-T.
Other names: short protein forms R766Q.
Identifiers: ClinVar variation 567851 (VCV000567851.10), dbSNP rs931761657, ClinGen allele CA187682589.
Genomic context (GRCh38, chr8:144,513,384, plus strand): 5'-ACAGCCCGCACATCTGGCCGGTCCAGCCCCATCCCAAAGGCCACCGTGGCCACCACCACC[C>T]GCAACTGGCCCTGCATGAAGGCTCGCTGTACCCGCCGCCGTTCCCGGCTGCACATGCCCG-3'
Protein context (NP_004251.4, residues 756-776): VQRAFMQGQL[Arg766Gln]VVVATVAFGM

ClinVar aggregate classification (germline): Uncertain significance. Review status: criteria provided, multiple submitters, no conflicts (2 of 4 stars). 3 submissions from 3 submitters: Uncertain significance (3). Last evaluated 2024-04-24.

Conditions:
Hereditary cancer-predisposing syndrome. Also called: Neoplastic Syndromes, Hereditary; Tumor predisposition; Hereditary Cancer Syndrome; Hereditary neoplastic syndrome. Identifiers: Orphanet 140162, MedGen C0027672, MeSH D009386, MONDO:0015356.
Baller-Gerold syndrome (BGS). Also called: CRANIOSYNOSTOSIS WITH RADIAL DEFECTS. Identifiers: Orphanet 1225, MedGen C0265308, MONDO:0009039, OMIM 218600.
Rapadilino syndrome. Identifiers: Orphanet 3021, MedGen C1849453, MONDO:0009955, OMIM 266280.
Rothmund-Thomson syndrome type 2 (RTS2). Identifiers: Orphanet 221016, MedGen C5203410, MONDO:0016369, OMIM 268400.

Allele frequency attached by ClinVar (database versions not stated): gnomAD 0.00009.
gnomAD v4.1: 168 of 1,607,684 alleles (0.01%); highest among the groups gnomAD compares: Non-Finnish European, 0.012%; no homozygotes.

Submissions (3):

Fulgent Genetics
Classification: Uncertain significance for Baller-Gerold syndrome; Rapadilino syndrome; Rothmund-Thomson syndrome type 2. Last evaluated: 2024-04-24. Review status: criteria provided, single submitter. Criteria: ACMG Guidelines, 2015. Collection method: clinical testing. Allele origin: germline.

Sema4
Classification: Uncertain significance for Hereditary cancer-predisposing syndrome. Last evaluated: 2022-01-05. Review status: criteria provided, single submitter. Criteria: Sema4 Curation Guidelines. Collection method: curation. Allele origin: germline.
Comment: To the best of our knowledge, the RECQL4 c.2297G>A (p.R766Q) variant has not been reported in individuals with RECQL4-related disease. This variant was observed in 15/12412 chromosomes in the Non-Finnish European population, according to the Genome Aggregation Database (PMID: 32461654). This variant has been reported in ClinVar (Variation ID: 567851). In silico tools suggest the impact of the variant on protein function is deleterious, though these predictions have not been confirmed by functional studies. The evidence is insufficient to meet ACMG/AMP criteria for classifying the variant as benign or pathogenic. Thus, the clinical significance of this variant is currently uncertain.

Labcorp Genetics (formerly Invitae), Labcorp
Classification: Uncertain significance for Baller-Gerold syndrome. Last evaluated: 2017-11-03. Review status: criteria provided, single submitter. Criteria: Invitae Variant Classification Sherloc (09022015). Collection method: clinical testing. Allele origin: germline.
Comment: In summary, the available evidence is currently insufficient to determine the role of this variant in disease. Therefore, it has been classified as a Variant of Uncertain Significance. Algorithms developed to predict the effect of missense changes on protein structure and function (SIFT, PolyPhen-2, Align-GVGD) all suggest that this variant is likely to be disruptive, but these predictions have not been confirmed by published functional studies and their clinical significance is uncertain. This variant has not been reported in the literature in individuals with RECQL4-related disease. While this variant is not present in population databases, the frequency information is unreliable, as metrics indicate poor data quality at this position in the ExAC database. This sequence change replaces arginine with glutamine at codon 766 of the RECQL4 protein (p.Arg766Gln). The arginine residue is highly conserved and there is a small physicochemical difference between arginine and glutamine.